The following is an entry in ClinVar:

NM_004360.5(CDH1):c.1888C>G (p.Leu630Val)

Gene: CDH1 (cadherin 1; plus strand). Cytogenetic location: 16q22.1.
Variant type: single nucleotide variant.
Coding change: c.1888C>G on transcript NM_004360.5 (MANE Select); coding-DNA position 1888, C replaced by G.
Protein change: p.Leu630Val; replaces leucine 630 with valine.
Molecular consequence: missense variant. On other transcripts: 5 prime UTR variant (1).
Genome position (GRCh38, 1-based): chr16:68,822,177, C>G. VCF-style: chr16-68822177-C-G. GRCh37 (hg19) VCF-style: chr16-68856080-C-G.
Other names: p.L630V:CTA>GTA; NM_004360.4(CDH1):c.1888C>G; c.1888C>G (LRG_301t1); c.1705C>G, p.Leu569Val (NM_001317184.2); c.340C>G, p.Leu114Val (NM_001317185.2); c.-78C>G (NM_001317186.2); short protein forms L630V, L569V, L114V.
Identifiers: ClinVar variation 133846 (VCV000133846.35), dbSNP rs2276331, ClinGen allele CA157951.

ClinVar aggregate classification (germline): Benign. Review status: reviewed by expert panel (3 of 4 stars). 16 submissions from 16 submitters: Benign (1). 15 of the submissions do not count toward it. Last evaluated 2023-08-08.

Conditions:
CDH1-related diffuse gastric and lobular breast cancer syndrome. Also called: CDH1-related diffuse gastric and lobular breast cancer. Identifiers: MedGen CN311521, MONDO:0100488.
Hereditary cancer-predisposing syndrome. Also called: Tumor predisposition; Hereditary neoplastic syndrome; Neoplastic Syndromes, Hereditary; Hereditary Cancer Syndrome. Identifiers: Orphanet 140162, MedGen C0027672, MeSH D009386, MONDO:0015356.
Breast and/or ovarian cancer. Identifiers: MedGen CN221562.
Hereditary breast ovarian cancer syndrome. Also called: Hereditary breast and ovarian cancer syndrome; Hereditary breast and ovarian cancer; Hereditary breast and ovarian cancer syndrome (HBOC); Breast and ovarian cancer; BRCA1- and BRCA2-Associated Hereditary Breast and Ovarian Cancer; Hereditary breast and/or ovarian cancer syndrome. Identifiers: Orphanet 145, MedGen C0677776, MeSH D061325, MONDO:0003582. Disease mechanism: loss of function.
Hereditary diffuse gastric adenocarcinoma (HDGC). Also called: DIFFUSE GASTRIC AND LOBULAR BREAST CANCER SYNDROME. Identifiers: Orphanet 26106, MedGen C1708349, MONDO:0007648, OMIM 137215.
Malignant tumor of breast. Also called: Malignant breast neoplasm; Cancer breast. Identifiers: MedGen C0006142, MONDO:0007254. Disease mechanism: loss of function.

Allele frequency attached by ClinVar (database versions not stated): gnomAD 0.00009 and 0.00016; gnomAD exomes 0.00017 and 0.00038; TOPMed 0.00022; ExAC 0.00038; 1000 Genomes Project 30x 0.00094; 1000 Genomes Project 0.00120.
gnomAD v4.1: 267 of 1,614,146 alleles (0.017%); highest among the groups gnomAD compares: East Asian, 0.56%; no homozygotes.

Submissions 1 to 15 of 16:

Clingen Gastric Cancer Variant Curation Expert Panel
Classification: Benign for CDH1-related diffuse gastric and lobular breast cancer syndrome. Last evaluated: 2023-08-08. Review status: reviewed by expert panel. Criteria: ClinGen CDH1 ACMG Specifications V3.1. Collection method: curation. Allele origin: germline. Inheritance: Autosomal dominant inheritance.
Comment: The c.1888C>G (p.Leu630Val) variant has an allele frequency of 0.00519 (0.52%, 98/18,866 alleles) in the East Asian subpopulation of the gnomAD cohort (BA1). In summary, this variant meets criteria to be classified as benign. ACMG/AMP criteria applied, as specified by the CDH1 Variant Curation Expert Panel (Variant Interpretation Guidelines Version 3.1): BA1.

Labcorp Genetics (formerly Invitae), Labcorp
Classification: Benign for Hereditary diffuse gastric adenocarcinoma. Last evaluated: 2026-01-31. Review status: criteria provided, single submitter. Criteria: Invitae Variant Classification Sherloc (09022015). Collection method: clinical testing. Allele origin: germline. Not counted in ClinVar's aggregate classification.

ARUP Laboratories, Molecular Genetics and Genomics, ARUP Laboratories
Classification: Benign. Last evaluated: 2024-12-26. Review status: criteria provided, single submitter. Criteria: ARUP Molecular Germline Variant Investigation Process 2024. Collection method: clinical testing. Allele origin: germline. Not counted in ClinVar's aggregate classification.

Myriad Genetics, Inc.
Classification: Benign for Hereditary diffuse gastric adenocarcinoma. Last evaluated: 2024-09-20. Review status: criteria provided, single submitter. Criteria: Myriad Autosomal Dominant, Autosomal Recessive and X-Linked Classification Criteria (2023). Collection method: clinical testing. Allele origin: unknown. Not counted in ClinVar's aggregate classification.
Comment: This variant is considered benign. This variant has been observed at a population frequency that is significantly greater than expected given the associated disease prevalence and penetrance. Homozygosity has been confirmed in one or more individuals. As homozygosity for pathogenic variants in this gene is generally assumed to result in embryonic lethality, this variant is unlikely to be pathogenic.

Quest Diagnostics Nichols Institute San Juan Capistrano
Classification: Benign. Last evaluated: 2022-10-27. Review status: criteria provided, single submitter. Criteria: Quest Diagnostics criteria. Collection method: clinical testing. Allele origin: unknown. Not counted in ClinVar's aggregate classification.

European Reference Network on Genetic Tumour Risk Syndromes (ERN-GENTURIS), i3s - Instituto de Investigação e Inovação em Saúde, University of Porto
Classification: Benign for Hereditary diffuse gastric adenocarcinoma. Last evaluated: 2022-08-01. Review status: criteria provided, single submitter. Criteria: Lee et al. (Hum Mutat. 2018). Collection method: clinical testing. Allele origin: germline. Inheritance: Autosomal dominant inheritance. Affected: no. Study: ERN GENTURIS. Not counted in ClinVar's aggregate classification.
Comment: BA1 (PMID: 30311375)

CHEO Genetics Diagnostic Laboratory, Children's Hospital of Eastern Ontario
Classification: Likely benign for Breast and/or ovarian cancer. Last evaluated: 2021-05-12. Review status: criteria provided, single submitter. Criteria: ACMG Guidelines, 2015. Collection method: clinical testing. Allele origin: germline. Not counted in ClinVar's aggregate classification.

Sema4
Classification: Benign for Hereditary cancer-predisposing syndrome. Last evaluated: 2020-08-29. Review status: criteria provided, single submitter. Criteria: Sema4 Curation Guidelines. Collection method: curation. Allele origin: germline. Not counted in ClinVar's aggregate classification.

GeneDx
Classification: Likely benign. Last evaluated: 2020-07-10. Review status: criteria provided, single submitter. Criteria: GeneDx Variant Classification Process June 2021. Collection method: clinical testing. Allele origin: germline. Affected: yes. Not counted in ClinVar's aggregate classification.
Comment: This variant is associated with the following publications: (PMID: 30022640, 29770616, 25980754, 23431106, 26757417, 27227907, 26707089, 25648022, 24728327, 28580595, 29212164, 32426482)

Cancer Genomics Group, Japanese Foundation For Cancer Research
Classification: Likely benign for Hereditary breast and ovarian cancer syndrome. Last evaluated: 2019-05-01. Review status: criteria provided, single submitter. Criteria: ACMG Guidelines, 2015. Collection method: research. Allele origin: germline. Affected: yes. Not counted in ClinVar's aggregate classification.

Women's Health and Genetics/Laboratory Corporation of America, LabCorp
Classification: Likely benign. Last evaluated: 2018-08-03. Review status: criteria provided, single submitter. Criteria: LabCorp Variant Classification Summary - May 2015. Collection method: clinical testing. Allele origin: germline. Not counted in ClinVar's aggregate classification.
Comment: Variant summary: CDH1 c.1888C>G (p.Leu630Val) results in a conservative amino acid change located in the Cadherin of the encoded protein sequence. Four of five in-silico tools predict a damaging effect of the variant on protein function. The observed variant frequency within East Asian control individuals in the gnomAD database is approximately 183.84 fold of the estimated maximal expected allele frequency for a pathogenic variant in CDH1 causing Hereditary Diffuse Gastric Cancer phenotype (2.8e-05), strongly suggesting that the variant is a benign polymorphism found primarily in populations of East Asian origin. The variant allele was found at a frequency of 0.00037 in 277212 control chromosomes, predominantly at a frequency of 0.0052 within the East Asian subpopulation in the gnomAD database. The observed variant frequency within East Asian control individuals in the gnomAD database is approximately 250 fold of the estimated maximal expected allele frequency for a pathogenic variant in CDH1 causing Hereditary Breast and Ovarian Cancer phenotype (2.1e-05), strongly suggesting that the variant is a benign polymorphism found primarily in populations of East Asian origin. c.1888C>G has been reported in the literature in individuals affected with Hereditary Breast and Ovarian Cancer. These report(s) do not provide unequivocal conclusions about association of the variant with Hereditary Breast and Ovarian Cancer. Co-occurrences with other pathogenic variant(s) have been reported (BRIP1 del exons 4-5), providing supporting evidence for a benign role. To our knowledge, no experimental evidence demonstrating an impact on protein function has been reported. Four clinical diagnostic laboratories have submitted clinical-significance assessments for this variant to ClinVar after 2014 without evidence for independent evaluation. All laboratories classified the variant as benign/likely benign. Based on the evidence outlined above, the variant was classified as likely benign.

Illumina Laboratory Services, Illumina
Classification: Benign for Hereditary diffuse gastric adenocarcinoma. Last evaluated: 2017-04-28. Review status: criteria provided, single submitter. Criteria: ICSL Variant Classification Criteria 13 December 2019. Collection method: clinical testing. Allele origin: germline. Not counted in ClinVar's aggregate classification.
Comment: This variant was observed as part of a predisposition screen in an ostensibly healthy population. A literature search was performed for the gene, cDNA change, and amino acid change (where applicable). Publications were found based on this search. The evidence from the literature, in combination with allele frequency data from public databases where available, was sufficient to rule this variant out of causing disease. Therefore, this variant is classified as benign.

Color Diagnostics, LLC DBA Color Health
Classification: Likely benign for Hereditary cancer-predisposing syndrome. Last evaluated: 2015-09-03. Review status: criteria provided, single submitter. Criteria: ACMG Guidelines, 2015. Collection method: clinical testing. Allele origin: germline. Not counted in ClinVar's aggregate classification.

Ambry Genetics
Classification: Benign for Hereditary cancer-predisposing syndrome. Last evaluated: 2014-11-18. Review status: criteria provided, single submitter. Criteria: Ambry Variant Classification Scheme 2023. Collection method: clinical testing. Allele origin: germline. Not counted in ClinVar's aggregate classification.

ITMI
No classification provided. Condition: AllHighlyPenetrant. Last evaluated: 2013-09-19. Review status: no classification provided. Collection method: reference population. Allele origin: germline. Not counted in ClinVar's aggregate classification.
Comment: Please see associated publication for description of ethnicities